The following is an entry in ClinVar:

ClinVar aggregate classification (germline): Pathogenic/Likely pathogenic. Review status: criteria provided, multiple submitters, no conflicts (2 of 4 stars). 6 submissions from 6 submitters: Pathogenic (2); Likely pathogenic (3). 1 of the submissions does not count toward it. Last evaluated 2025-11-03.

Conditions:
SH3BP2-related disorder. Also called: SH3BP2-related condition.
Fibrous dysplasia of jaw (CRBM). Also called: Cherubism. Identifiers: Orphanet 184, MedGen C0008029, MONDO:0007315, OMIM 118400.

gnomAD v4.1: 1 of 1,587,478 alleles (0.000063%); no homozygotes.

Submissions (6):

Labcorp Genetics (formerly Invitae), Labcorp
Classification: Pathogenic for Fibrous dysplasia of jaw. Last evaluated: 2025-11-03. Review status: criteria provided, single submitter. Criteria: Invitae Variant Classification Sherloc (09022015). Collection method: clinical testing. Allele origin: germline.
Comment: This sequence change replaces proline, which is neutral and non-polar, with threonine, which is neutral and polar, at codon 418 of the SH3BP2 protein (p.Pro418Thr). The frequency data for this variant in the population databases is considered unreliable, as metrics indicate poor data quality at this position in the gnomAD database. This missense change has been observed in individual(s) with cherubism (PMID: 17321449, 23298620). It has also been observed to segregate with disease in related individuals. ClinVar contains an entry for this variant (Variation ID: 863669). Invitae Evidence Modeling of protein sequence and biophysical properties (such as structural, functional, and spatial information, amino acid conservation, physicochemical variation, residue mobility, and thermodynamic stability) indicates that this missense variant is expected to disrupt SH3BP2 protein function with a positive predictive value of 80%. This variant disrupts the p.Pro418 amino acid residue in SH3BP2. Other variant(s) that disrupt this residue have been determined to be pathogenic (PMID: 11381256, 23298620, 27272835). This suggests that this residue is clinically significant, and that variants that disrupt this residue are likely to be disease-causing. For these reasons, this variant has been classified as Pathogenic.

CeGaT Center for Human Genetics Tuebingen
Classification: Pathogenic. Last evaluated: 2024-08-01. Review status: criteria provided, single submitter. Criteria: CeGaT Center For Human Genetics Tuebingen Variant Classification Criteria Version 2. Collection method: clinical testing. Allele origin: germline. Affected: yes. Observed: 1 variant allele.
Comment: SH3BP2: PM1:Strong, PM2, PM5, PS4:Moderate, PP4

Fulgent Genetics
Classification: Likely pathogenic for Fibrous dysplasia of jaw. Last evaluated: 2022-04-05. Review status: criteria provided, single submitter. Criteria: ACMG Guidelines, 2015. Collection method: clinical testing. Allele origin: unknown.

Blueprint Genetics
Classification: Likely pathogenic for SH3BP2-related disorders. Last evaluated: 2019-09-30. Review status: criteria provided, single submitter. Criteria: ACMG Guidelines, 2015. Collection method: clinical testing. Allele origin: germline. Affected: yes. Observed: 1 variant allele.

Juno Genomics, Hangzhou Juno Genomics, Inc
Classification: Likely pathogenic for Fibrous dysplasia of jaw. Review status: criteria provided, single submitter. Criteria: ACMG Guidelines, 2015. Collection method: clinical testing. Allele origin: germline.
Comment: Absent from controls (or at extremely low frequency if recessive) in Genome Aggregation Database.;Multiple lines of computational evidence support a deleterious effect on the gene or gene product.;The prevalence of the variant in affected individuals is significantly increased compared to the prevalence in controls.;Patient's phenotype or family history is highly specific for a disease with a single genetic etiology.;Co-segregation with disease in multiple affected family members.;Novel missense change at an amino acid residue where a different missense change determined to be pathogenic has been seen before.

PreventionGenetics, part of Exact Sciences
Classification: Pathogenic for SH3BP2-related condition. Last evaluated: 2024-08-08. Review status: no assertion criteria provided. Collection method: clinical testing. Allele origin: germline. Not counted in ClinVar's aggregate classification.
Comment: The SH3BP2 c.1252C>A variant is predicted to result in the amino acid substitution p.Pro418Thr. This variant is alternatively referred to as c.1513C>A (p.P418T) using legacy nomenclature. This variant has been reported in multiple individuals with cherubism and has been noted to segregate with the disorder (see for example, de Lange et al 2007. PubMed ID: 17321449; Chrcanovic et al. 2021. DOI 10.1016/j.ijom.2020.05.021; Frazier et al. 2018. DOI 10.4103/jomr.jomr_30_18). The majority of variants noted in individuals affected with cherubism are found within exon 9 and include the same amino acid (p.Pro418Arg; p.Pro418Leu; p.Pro418His) as this variant (de Lange et al. 2007. PubMed ID: 17321449; Tuna et al. 2012. PubMed ID 22795151). Functional studies of this critical exon suggest the variants disturb protein regulation by altering the recognition site for tankyrase binding (Guettler. 2011. PubMed ID: 22153077; Ueki Y et al 2001. PubMed ID: 11381256). The c.1252C>A variant corresponds to the alternate transcript for this gene (NM_001145856:c.1423C>A; p.Pro475Thr) which is reported in 0.0022% of alleles in individuals of European (Non-Finnish) descent in gnomAD. This variant is interpreted as pathogenic.

Literature cited by the submitters: PubMed 17321449 (cited by Labcorp Genetics (formerly Invitae), Labcorp); PubMed 23298620 (cited by Labcorp Genetics (formerly Invitae), Labcorp); PubMed 11381256 (cited by Labcorp Genetics (formerly Invitae), Labcorp); PubMed 27272835 (cited by Labcorp Genetics (formerly Invitae), Labcorp).

NM_001122681.2(SH3BP2):c.1252C>A (p.Pro418Thr)

Gene: SH3BP2 (SH3 domain binding protein 2; plus strand). Cytogenetic location: 4p16.3.
Variant type: single nucleotide variant.
Coding change: c.1252C>A on transcript NM_001122681.2 (MANE Select); coding-DNA position 1252, C replaced by A.
Protein change: p.Pro418Thr; replaces proline 418 with threonine.
Molecular consequence: missense variant.
Genome position (GRCh38, 1-based): chr4:2,831,581, C>A. VCF-style: chr4-2831581-C-A. GRCh37 (hg19) VCF-style: chr4-2833308-C-A.
Other names: c.1336C>A, p.Pro446Thr (NM_001145855.2); c.1423C>A, p.Pro475Thr (NM_001145856.2); c.1252C>A, p.Pro418Thr (NM_003023.4); short protein forms P418T, P446T, P475T.
Identifiers: ClinVar variation 863669 (VCV000863669.28), dbSNP rs757336022, ClinGen allele CA2819446.